The following is an entry in ClinVar:

NM_000377.3(WAS):c.961C>T (p.Arg321Ter)

Gene: WAS (WASP actin nucleation promoting factor; plus strand). Cytogenetic location: Xp11.23.
Variant type: single nucleotide variant.
Coding change: c.961C>T on transcript NM_000377.3 (MANE Select); coding-DNA position 961, C replaced by T.
Protein change: p.Arg321Ter; replaces arginine 321 with a stop codon.
Molecular consequence: nonsense.
Genome position (GRCh38, 1-based): chrX:48,688,689, C>T. VCF-style: chrX-48688689-C-T. GRCh37 (hg19) VCF-style: chrX-48547078-C-T.
Other names: short protein forms R321*.
Identifiers: ClinVar variation 449515 (VCV000449515.17), dbSNP rs1557007123, ClinGen allele CA412872755.

ClinVar aggregate classification (germline): Pathogenic. Review status: criteria provided, multiple submitters, no conflicts (2 of 4 stars). 5 submissions from 5 submitters: Pathogenic (5). Last evaluated 2025-06-24.

Conditions:
WAS-related disorder. Also called: WAS-related condition; WAS-Related Disorders. Identifiers: MedGen CN381538.
X-linked severe congenital neutropenia (SCNX). Identifiers: Orphanet 86788, MedGen C1845987, MONDO:0010294, OMIM 300299.
Wiskott-Aldrich syndrome (WAS). Also called: Wiskott-aldrich syndrome, somatic; ALDRICH SYNDROME; IMMUNODEFICIENCY 2; WISKOTT-ALDRICH SYNDROME 1. Identifiers: Orphanet 906, MedGen C0043194, MONDO:0010518, OMIM 301000.
Thrombocytopenia 1. Also called: THROMBOCYTOPENIA, X-LINKED, 1; X-linked thrombocytopenia with normal platelets; X-Linked Thrombocytopenia (XLT). Identifiers: Orphanet 268322, Orphanet 852, MedGen C1839163, MONDO:0010743, OMIM 313900.

Submissions (5):

Labcorp Genetics (formerly Invitae), Labcorp
Classification: Pathogenic for Wiskott-Aldrich syndrome; X-linked severe congenital neutropenia; Thrombocytopenia 1. Last evaluated: 2025-06-24. Review status: criteria provided, single submitter. Criteria: Invitae Variant Classification Sherloc (09022015). Collection method: clinical testing. Allele origin: germline.
Comment: This sequence change creates a premature translational stop signal (p.Arg321*) in the WAS gene. It is expected to result in an absent or disrupted protein product. Loss-of-function variants in WAS are known to be pathogenic (PMID: 15284122). This variant is not present in population databases (gnomAD no frequency). This premature translational stop signal has been observed in individuals with Wiskott-Aldrich syndrome (PMID: 7579347, 21185603, 22426750, 22679904, 25332606, 25792466). This variant is also known as 995C>T. ClinVar contains an entry for this variant (Variation ID: 449515). For these reasons, this variant has been classified as Pathogenic.

Next Generation Genetic Polyclinic
Classification: Pathogenic for Wiskott-Aldrich syndrome. Last evaluated: 2025-05-15. Review status: criteria provided, single submitter. Criteria: ACMG Guidelines, 2015. Collection method: clinical testing. Allele origin: germline. Affected: yes. Observed: 1 variant allele.
Comment: The NM_000377.3:c.961C>T variant in the WAS gene introduces a premature stop codon at position p.Arg321Ter, resulting in a truncated WASP protein or complete loss due to nonsense-mediated decay. WASP is crucial for actin cytoskeleton remodeling in hematopoietic cells, and its deficiency disrupts immune cell signaling and function. This variant has been identified in individuals with Wiskott-Aldrich syndrome, an X-linked recessive immunodeficiency characterized by eczema, thrombocytopenia, and recurrent infections. Its absence from population databases and consistent pathogenic classification across multiple clinical submissions support its role in disease causation. Sanger sequencing confirmed variant presence.Sanger sequencing confirmed variant presence.

Women's Health and Genetics/Laboratory Corporation of America, LabCorp
Classification: Pathogenic for Wiskott-Aldrich syndrome. Last evaluated: 2023-02-08. Review status: criteria provided, single submitter. Criteria: LabCorp Variant Classification Summary - May 2015. Collection method: clinical testing. Allele origin: germline.
Comment: Variant summary: WAS c.961C>T (p.Arg321X) results in a premature termination codon, predicted to cause a truncation of the encoded protein or absence of the protein due to nonsense mediated decay, which are commonly known mechanisms for disease. Truncations downstream of this position have been classified as pathogenic by our laboratory. The variant was absent in 164967 control chromosomes (gnomAD). c.961C>T has been reported in the literature in several individuals affected with Wiskott-Aldrich Syndrome (e.g. Zhu_1995, Fillat_2001, Rawat_2022). These data indicate that the variant is likely to be associated with disease. To our knowledge, no experimental evidence demonstrating an impact on protein function has been reported. Three ClinVar submitters have assessed the variant since 2014: all three classified the variant as pathogenic. Based on the evidence outlined above, the variant was classified as pathogenic.

GeneDx
Classification: Pathogenic. Last evaluated: 2022-06-08. Review status: criteria provided, single submitter. Criteria: GeneDx Variant Classification Process June 2021. Collection method: clinical testing. Allele origin: germline. Affected: yes.
Comment: Nonsense variant predicted to result in protein truncation or nonsense mediated decay in a gene for which loss of function is a known mechanism of disease; Not observed at significant frequency in large population cohorts (gnomAD); This variant is associated with the following publications: (PMID: 22679904, 25525159, 7579347, 20173115, 10447259, 25332606, 24369837, 8682510, 22426750, 20477031, 17786274, 16939809)

Blueprint Genetics
Classification: Pathogenic for WAS-related disorders. Last evaluated: 2019-04-17. Review status: criteria provided, single submitter. Criteria: ACMG Guidelines, 2015. Collection method: clinical testing. Allele origin: germline. Affected: yes. Observed: 1 variant allele.

Literature cited by the submitters: PubMed 15284122 (cited by Labcorp Genetics (formerly Invitae), Labcorp); PubMed 7579347 (cited by Labcorp Genetics (formerly Invitae), Labcorp and Women's Health and Genetics/Laboratory Corporation of America, LabCorp); PubMed 21185603 (cited by Labcorp Genetics (formerly Invitae), Labcorp); PubMed 22426750 (cited by Labcorp Genetics (formerly Invitae), Labcorp); PubMed 22679904 (cited by Labcorp Genetics (formerly Invitae), Labcorp); PubMed 25332606 (cited by Labcorp Genetics (formerly Invitae), Labcorp); PubMed 25792466 (cited by Labcorp Genetics (formerly Invitae), Labcorp); PubMed 11298372 (cited by Women's Health and Genetics/Laboratory Corporation of America, LabCorp); PubMed 35729272 (cited by Women's Health and Genetics/Laboratory Corporation of America, LabCorp).